The following is an entry in ClinVar:

ClinVar aggregate classification (germline): Uncertain significance. Review status: criteria provided, multiple submitters, no conflicts (2 of 4 stars). 2 submissions from 2 submitters: Uncertain significance (2). Last evaluated 2023-04-19.

Conditions:
Cardiovascular phenotype. Identifiers: MedGen CN230736.

gnomAD v4.1: 15 of 1,614,194 alleles (0.00093%); highest among the groups gnomAD compares: Non-Finnish European, 0.0013%; no homozygotes.

Submissions (2):

Ambry Genetics
Classification: Uncertain significance for Cardiovascular phenotype. Last evaluated: 2023-04-19. Review status: criteria provided, single submitter. Criteria: Ambry Variant Classification Scheme 2023. Collection method: clinical testing. Allele origin: germline.
Comment: The p.E1118* variant (also known as c.3352G>T), located in coding exon 22 of the TRPM4 gene, results from a G to T substitution at nucleotide position 3352. This changes the amino acid from a glutamic acid to a stop codon within coding exon 22. This alteration is expected to result in protein truncation or nonsense-mediated mRNA decay. However, loss of function of TRPM4 has not been established as a mechanism of disease. Since supporting evidence is limited at this time, the clinical significance of this alteration remains unclear.

AiLife Diagnostics
Classification: Uncertain significance. Last evaluated: 2022-02-05. Review status: criteria provided, single submitter. Criteria: ACMG Guidelines, 2015. Collection method: clinical testing. Allele origin: germline. Affected: yes. Observed: 1 variant allele.

NM_017636.4(TRPM4):c.3352G>T (p.Glu1118Ter)

Gene: TRPM4 (transient receptor potential cation channel subfamily M member 4; plus strand). Cytogenetic location: 19q13.33.
Variant type: single nucleotide variant.
Coding change: c.3352G>T on transcript NM_017636.4 (MANE Select); coding-DNA position 3352, G replaced by T.
Protein change: p.Glu1118Ter; replaces glutamic acid 1118 with a stop codon.
Molecular consequence: nonsense.
Genome position (GRCh38, 1-based): chr19:49,210,733, G>T. VCF-style: chr19-49210733-G-T. GRCh37 (hg19) VCF-style: chr19-49713990-G-T.
Other names: c.2917G>T, p.Glu973Ter (NM_001195227.2); c.3007G>T, p.Glu1003Ter (NM_001321281.2); c.1744G>T, p.Glu582Ter (NM_001321282.2); c.2830G>T, p.Glu944Ter (NM_001321283.2); c.2290G>T, p.Glu764Ter (NM_001321285.2); c.3352G>T (NM_017636.3); short protein forms E1003*, E1118*, E582*, E764*, E944*, E973*.
Identifiers: ClinVar variation 1677897 (VCV001677897.3), dbSNP rs999232875, ClinGen allele CA309420663.
Genomic context (GRCh38, chr19:49,210,733, plus strand): 5'-CGTGGCCTGAGCCCTTTGACTCCGCCCGCCCCTGCAGGGGTTTACCTTTCTAAGGAAGCC[G>T]AGCGGAAGCTGCTAACGTGGGAATCGGTGCATAAGGAGAACTTTCTGCTGGCACGCGCTA-3'